The following is an entry in ClinVar:

ClinVar aggregate classification (germline): Pathogenic (1 of 4 stars; one submission).

Submission:

Labcorp Genetics (formerly Invitae), Labcorp
Classification: Pathogenic. Last evaluated: 2023-08-30. Review status: criteria provided, single submitter. Criteria: Invitae Variant Classification Sherloc (09022015). Collection method: clinical testing. Allele origin: germline.
Comment: This sequence change creates a premature translational stop signal (p.Tyr1530Thrfs*32) in the POLE gene. It is expected to result in an absent or disrupted protein product. Loss-of-function variants in POLE are known to be pathogenic (PMID: 23230001, 25948378, 30503519). This variant is not present in population databases (gnomAD no frequency). This variant has not been reported in the literature in individuals affected with POLE-related conditions. For these reasons, this variant has been classified as Pathogenic.

Literature cited by the submitters: PubMed 23230001; PubMed 25948378; PubMed 30503519.

NM_006231.4(POLE):c.4588del (p.Tyr1530fs)

Gene: POLE (DNA polymerase epsilon, catalytic subunit; minus strand). Cytogenetic location: 12q24.33.
Variant type: Deletion.
Coding change: c.4588del on transcript NM_006231.4 (MANE Select); coding-DNA position 4588, one base deleted (T; older notation c.4588delT).
Protein change: p.Tyr1530fs; shifts the reading frame from tyrosine 1530.
Molecular consequence: frameshift variant.
Genome position (GRCh38, 1-based): chr12:132,642,960, A deleted on the plus strand (T on the coding strand, the reverse complement: POLE is on the minus strand). VCF-style (leftmost placement, unchanged base first): chr12-132642959-TA-T. GRCh37 (hg19) VCF-style: chr12-133219545-TA-T.
Other names: short protein forms Y1530fs.
Identifiers: ClinVar variation 2756574 (VCV002756574.3), dbSNP rs2541888049, ClinGen allele CA2697551580.